The following is an entry in ClinVar:

NM_014363.6(SACS):c.183G>A (p.Trp61Ter)

Gene: SACS (sacsin molecular chaperone; minus strand). Cytogenetic location: 13q12.12.
Variant type: single nucleotide variant.
Coding change: c.183G>A on transcript NM_014363.6 (MANE Select); coding-DNA position 183, G replaced by A.
Protein change: p.Trp61Ter; replaces tryptophan 61 with a stop codon.
Molecular consequence: nonsense. On other transcripts: intron variant (1).
Genome position (GRCh38, 1-based): chr13:23,371,154, C>T on the plus strand (G>A on the coding strand, the complement: SACS is on the minus strand). VCF-style: chr13-23371154-C-T. GRCh37 (hg19) VCF-style: chr13-23945293-C-T.
Other names: c.183G>A, p.Trp61Ter (NM_001437336.1); c.-182-2667G>A (NM_001278055.2); short protein forms W61*.
Identifiers: ClinVar variation 4815688 (VCV004815688.1).

ClinVar aggregate classification (germline): Likely pathogenic (1 of 4 stars; one submission).

Conditions:
Charlevoix-Saguenay spastic ataxia (SACS). Also called: AUTOSOMAL RECESSIVE SPASTIC ATAXIA OF CHARLEVOIX-SAGUENAY; Spastic ataxia of Charlevoix-Saguenay; SPASTIC ATAXIA 6, AUTOSOMAL RECESSIVE. Identifiers: Orphanet 98, MedGen C1849140, MONDO:0010041, OMIM 270550.

Submission:

Natera, Inc.
Classification: Likely pathogenic for Charlevoix-Saguenay type spastic ataxia. Last evaluated: 2025-09-13. Review status: criteria provided, single submitter. Criteria: Natera Variant Classification Schema (03/2026). Collection method: clinical testing. Allele origin: germline.
Comment: The c.183G>A variant in SACS is a nonsense variant predicted to introduce a stop codon at amino acid 61. This variant is expected to result in nonsense mediated decay, truncation, or a dysfunctional protein product. This variant is rare in the general population with a frequency below the threshold expected for the associated phenotype(s). Given the available evidence, this variant is classified as Likely Pathogenic.